The following is an entry in ClinVar:

ClinVar aggregate classification (germline): Benign/Likely benign. Review status: criteria provided, multiple submitters, no conflicts (2 of 4 stars). 5 submissions from 5 submitters: Benign (1); Likely benign (3). 1 of the submissions does not count toward it. Last evaluated 2026-01-12.

Conditions:
NARS2-related disorder. Also called: NARS2-related condition.

Allele frequency attached by ClinVar (database versions not stated): gnomAD exomes 0.00014 and 0.00023; TOPMed 0.00019; 1000 Genomes Project 0.00020; gnomAD 0.00021; ExAC 0.00022; ESP Exome Variant Server 0.00023; 1000 Genomes Project 30x 0.00031.
gnomAD v4.1: 228 of 1,609,750 alleles (0.014%); highest among the groups gnomAD compares: Non-Finnish European, 0.012%; 1 homozygote.

Submissions (5):

Labcorp Genetics (formerly Invitae), Labcorp
Classification: Benign. Last evaluated: 2026-01-12. Review status: criteria provided, single submitter. Criteria: Invitae Variant Classification Sherloc (09022015). Collection method: clinical testing. Allele origin: germline.

Blueprint Genetics
Classification: Likely benign. Last evaluated: 2024-09-12. Review status: criteria provided, single submitter. Criteria: ACMG Guidelines, 2015. Collection method: clinical testing. Allele origin: germline.

CeGaT Center for Human Genetics Tuebingen
Classification: Likely benign. Last evaluated: 2022-05-01. Review status: criteria provided, single submitter. Criteria: CeGaT Center For Human Genetics Tuebingen Variant Classification Criteria Version 2. Collection method: clinical testing. Allele origin: germline. Affected: yes. Observed: 1 variant allele.
Comment: NARS2: BP4

GeneDx
Classification: Likely benign. Last evaluated: 2019-09-10. Review status: criteria provided, single submitter. Criteria: GeneDx Variant Classification Process June 2021. Collection method: clinical testing. Allele origin: germline. Affected: yes.

PreventionGenetics, part of Exact Sciences
Classification: Likely benign for NARS2-related condition. Last evaluated: 2019-06-05. Review status: no assertion criteria provided. Collection method: clinical testing. Allele origin: germline. Not counted in ClinVar's aggregate classification.
Comment: This variant is classified as likely benign based on ACMG/AMP sequence variant interpretation guidelines (Richards et al. 2015 PMID: 25741868, with internal and published modifications).

NM_024678.6(NARS2):c.492T>C (p.Ala164=)

Gene: NARS2 (asparaginyl-tRNA synthetase 2, mitochondrial; minus strand). Cytogenetic location: 11q14.1.
Variant type: single nucleotide variant.
Coding change: c.492T>C on transcript NM_024678.6 (MANE Select); coding-DNA position 492, T replaced by C.
Protein change: p.Ala164=; no amino-acid change (alanine 164 retained).
Molecular consequence: synonymous variant. On other transcripts: 5 prime UTR variant (1).
Genome position (GRCh38, 1-based): chr11:78,566,153, A>G on the plus strand (T>C on the coding strand, the complement: NARS2 is on the minus strand). VCF-style: chr11-78566153-A-G. GRCh37 (hg19) VCF-style: chr11-78277199-A-G.
Other names: c.-190T>C (NM_001243251.2).
Identifiers: ClinVar variation 682537 (VCV000682537.42), dbSNP rs369110182, ClinGen allele CA6205832.